The following is an entry in ClinVar:

NM_020381.4(PDSS2):c.1A>G (p.Met1Val)

Gene: PDSS2 (decaprenyl diphosphate synthase subunit 2; minus strand). Cytogenetic location: 6q21.
Variant type: single nucleotide variant.
Coding change: c.1A>G on transcript NM_020381.4 (MANE Select); coding-DNA position 1, A replaced by G.
Protein change: p.Met1Val; changes the start codon (methionine 1).
Molecular consequence: missense variant, initiator codon variant.
Genome position (GRCh38, 1-based): chr6:107,459,285, T>C on the plus strand (A>G on the coding strand, the complement: PDSS2 is on the minus strand). VCF-style: chr6-107459285-T-C. GRCh37 (hg19) VCF-style: chr6-107780489-T-C.
Other names: short protein forms M1V.
Identifiers: ClinVar variation 2052737 (VCV002052737.5), dbSNP rs767963170, ClinGen allele CA3946212.

ClinVar aggregate classification (germline): Uncertain significance (1 of 4 stars; one submission).

Allele frequency attached by ClinVar (database versions not stated): gnomAD exomes below 0.00001.

Submission:

Labcorp Genetics (formerly Invitae), Labcorp
Classification: Uncertain significance. Last evaluated: 2024-05-22. Review status: criteria provided, single submitter. Criteria: Invitae Variant Classification Sherloc (09022015). Collection method: clinical testing. Allele origin: germline.
Comment: This sequence change affects the initiator methionine of the PDSS2 mRNA. The next in-frame methionine is located at codon 67. This variant is present in population databases (rs767963170, gnomAD 0.003%). This variant has not been reported in the literature in individuals affected with PDSS2-related conditions. ClinVar contains an entry for this variant (Variation ID: 2052737). Experimental studies and prediction algorithms are not available or were not evaluated, and the functional significance of this variant is currently unknown. In summary, the available evidence is currently insufficient to determine the role of this variant in disease. Therefore, it has been classified as a Variant of Uncertain Significance.